The following is an entry in ClinVar:

ClinVar aggregate classification (germline): Pathogenic (1 of 4 stars; one submission).

Conditions:
Neurodegeneration with brain iron accumulation 5 (NBIA5). Also called: Beta-propeller protein-associated neurodegeneration; STATIC ENCEPHALOPATHY OF CHILDHOOD WITH NEURODEGENERATION IN ADULTHOOD. Identifiers: Orphanet 329284, MedGen C3550973, MONDO:0010476, OMIM 300894.

Submission:

Diagnostics Services (NGS), CSIR - Centre For Cellular And Molecular Biology
Classification: Pathogenic for Neurodegeneration with brain iron accumulation 5. Last evaluated: 2021-11-25. Review status: criteria provided, single submitter. Criteria: ACMG Guidelines, 2015. Collection method: clinical testing. Allele origin: germline. Inheritance: X-linked inheritance. Affected: yes. Observed: 1 variant allele, 1 hemizygote.
Comment: The c.894_895insT variant is not present in publicly available population databases like 1000 Genomes, Exome Variant Server (EVS), Exome Aggregation Consortium (ExAC), Genome Aggregation Database (gnomAD) and dbSNP. The variant is not present in Indian Exome Database and in our in-house exome database. The variant was not earlier reported to ClinVar, Human Genome Mutation Database (HGMD) and/or OMIM databases in association with any affected individuals. In-silico pathogenicity prediction programs like MutationTaster2, CADD, Varsome etc. predicted this variant to be likely disease causing. The variant causes frameshift at the 299th amino acid position that creates a premature stop codon at the 306th amino acid position of the altered transcript that may either generate a truncated protein or nonsense mediated decay of the mRNA.

NM_001029896.2(WDR45):c.891_892insT (p.Ala298fs)

Gene: WDR45 (WD repeat domain 45; minus strand). Cytogenetic location: Xp11.23.
Variant type: Insertion.
Coding change: c.891_892insT on transcript NM_001029896.2 (MANE Select); coding-DNA positions 891 to 892, T inserted.
Protein change: p.Ala298fs; shifts the reading frame from alanine 298.
Molecular consequence: frameshift variant.
Genome position: GRCh38 VCF-style: chrX-49075217-C-CA. GRCh37 (hg19) VCF-style: chrX-48932876-C-CA.
Other names: c.894_895insT, p.Ala299fs (NM_007075.4); short protein forms A298fs, A299fs.
Identifiers: ClinVar variation 1329495 (VCV001329495.3), dbSNP rs2147814859, ClinGen allele CA2573055345.